The following is an entry in ClinVar:

NM_017433.5(MYO3A):c.3037C>T (p.Arg1013Cys)

Gene: MYO3A (myosin IIIA; plus strand). Cytogenetic location: 10p12.1.
Variant type: single nucleotide variant.
Coding change: c.3037C>T on transcript NM_017433.5 (MANE Select); coding-DNA position 3037, C replaced by T.
Protein change: p.Arg1013Cys; replaces arginine 1013 with cysteine.
Molecular consequence: missense variant.
Genome position (GRCh38, 1-based): chr10:26,166,104, C>T. VCF-style: chr10-26166104-C-T. GRCh37 (hg19) VCF-style: chr10-26455033-C-T.
Other names: short protein forms R1013C.
Identifiers: ClinVar variation 228983 (VCV000228983.31), dbSNP rs140154015, ClinGen allele CA5445144.
Genomic context (GRCh38, chr10:26,166,104, plus strand): 5'-CCAGCCCTTTTTTCCATTCCAAGGTACTACCTTCTCTGCTACAAGTCGAGCGAGGAGCCC[C>T]GCATGAGCCCTGACACCTGTGCCACCATTTTGGAAAAAGCTGGTCTCGATAACTGGGCTC-3'
Protein context (NP_059129.3, residues 1003-1023): LLCYKSSEEP[Arg1013Cys]MSPDTCATIL

ClinVar aggregate classification (germline): Conflicting classifications of pathogenicity. Review status: criteria provided, conflicting classifications (1 of 4 stars). 8 submissions from 8 submitters: Uncertain significance (7); Likely benign (1). Last evaluated 2025-08-08.

Conditions:
Inborn genetic diseases. Identifiers: MedGen C0950123, MeSH D030342.
Autosomal recessive nonsyndromic hearing loss 30. Identifiers: Orphanet 90636, MedGen C1846784, MONDO:0011774, OMIM 607101.

Allele frequency attached by ClinVar (database versions not stated): gnomAD exomes 0.00009 and 0.00020; ExAC 0.00014; TOPMed 0.00043; gnomAD 0.00049 and 0.00050; ESP Exome Variant Server 0.00054; 1000 Genomes Project 0.00140; 1000 Genomes Project 30x 0.00141.
gnomAD v4.1: 196 of 1,614,064 alleles (0.012%); highest among the groups gnomAD compares: Admixed American, 0.16%; no homozygotes.

Submissions (8):

Labcorp Genetics (formerly Invitae), Labcorp
Classification: Uncertain significance. Last evaluated: 2025-08-08. Review status: criteria provided, single submitter. Criteria: Invitae Variant Classification Sherloc (09022015). Collection method: clinical testing. Allele origin: germline.
Comment: This sequence change replaces arginine, which is basic and polar, with cysteine, which is neutral and slightly polar, at codon 1013 of the MYO3A protein (p.Arg1013Cys). This variant is present in population databases (rs140154015, gnomAD 0.1%). This variant has not been reported in the literature in individuals affected with MYO3A-related conditions. ClinVar contains an entry for this variant (Variation ID: 228983). Invitae Evidence Modeling of protein sequence and biophysical properties (such as structural, functional, and spatial information, amino acid conservation, physicochemical variation, residue mobility, and thermodynamic stability) indicates that this missense variant is not expected to disrupt MYO3A protein function with a negative predictive value of 80%. In summary, the available evidence is currently insufficient to determine the role of this variant in disease. Therefore, it has been classified as a Variant of Uncertain Significance.

Blueprint Genetics
Classification: Uncertain significance. Last evaluated: 2024-06-21. Review status: criteria provided, single submitter. Criteria: ACMG Guidelines, 2015. Collection method: clinical testing. Allele origin: germline.

Ambry Genetics
Classification: Uncertain significance for Inborn genetic diseases. Last evaluated: 2024-05-10. Review status: criteria provided, single submitter. Criteria: Ambry Variant Classification Scheme 2023. Collection method: clinical testing. Allele origin: germline.

GeneDx
Classification: Uncertain significance. Last evaluated: 2023-10-04. Review status: criteria provided, single submitter. Criteria: GeneDx Variant Classification Process June 2021. Collection method: clinical testing. Allele origin: germline. Affected: yes.
Comment: In silico analysis supports that this missense variant does not alter protein structure/function; Has not been previously published as pathogenic or benign to our knowledge

Baylor Genetics
Classification: Uncertain significance for Autosomal recessive nonsyndromic hearing loss 30. Last evaluated: 2018-08-22. Review status: criteria provided, single submitter. Criteria: ACMG Guidelines, 2015. Collection method: clinical testing. Allele origin: maternal. Affected: yes.
Comment: This variant was determined to be of uncertain significance according to ACMG Guidelines, 2015 [PMID:25741868].

Laboratory for Molecular Medicine, Mass General Brigham Personalized Medicine
Classification: Likely benign. Last evaluated: 2018-08-07. Review status: criteria provided, single submitter. Criteria: LMM Criteria. Collection method: clinical testing. Allele origin: germline. Observed: 3 variant alleles.
Comment: The p.Arg1013Cys variant in MYO3A is classified as likely benign because it has been identified in 0.1% (35/34410) of Latino chromosomes by the Genome Aggregati on Database (gnomAD; dbSNP rs140154015), and C omputational prediction tools and conservation analyses suggest that the p.Arg10 13Cys variant may not impact the protein. ACMG/AMP Criteria applied: BS1_Support ing, BP4.

ARUP Laboratories, Molecular Genetics and Genomics, ARUP Laboratories
Classification: Uncertain significance. Last evaluated: 2016-12-21. Review status: criteria provided, single submitter. Criteria: ARUP Molecular Germline Variant Investigation Process. Collection method: clinical testing. Allele origin: germline.

Eurofins Ntd Llc (ga)
Classification: Uncertain significance. Last evaluated: 2016-09-06. Review status: criteria provided, single submitter. Criteria: EGL Classification Definitions 2015. Collection method: clinical testing. Allele origin: germline. Observed: 1 variant allele, 1 heterozygote.